The following is an entry in ClinVar:

ClinVar aggregate classification (germline): Pathogenic (1 of 4 stars; one submission).

Conditions:
Charcot-Marie-Tooth disease type 2. Also called: Charcot-Marie-Tooth type 2. Identifiers: Orphanet 64746, MedGen C0270914, MONDO:0018993.

Submission:

Labcorp Genetics (formerly Invitae), Labcorp
Classification: Pathogenic for Charcot-Marie-Tooth disease type 2. Last evaluated: 2023-10-30. Review status: criteria provided, single submitter. Criteria: Invitae Variant Classification Sherloc (09022015). Collection method: clinical testing. Allele origin: germline.
Comment: This variant, c.99_101del, results in the deletion of 1 amino acid(s) of the LMNA protein (p.Glu33del), but otherwise preserves the integrity of the reading frame. This variant is not present in population databases (gnomAD no frequency). This variant has been observed in individual(s) with autosomal dominant limb-girdle muscular dystrophy (PMID: 24642510, 32571898). This variant disrupts a region of the LMNA protein in which other variant(s) (p.Glu33Asp) have been determined to be pathogenic (PMID: 14985400, 22326558; Invitae). This suggests that this is a clinically significant region of the protein, and that variants that disrupt it are likely to be disease-causing. For these reasons, this variant has been classified as Pathogenic.

Literature cited by the submitters: PubMed 24642510; PubMed 32571898; PubMed 14985400; PubMed 22326558.

NM_170707.4(LMNA):c.96GGA[1] (p.Glu33del)

Genes: LMNA (lamin A/C; plus strand), LOC129931597 (ATAC-STARR-seq lymphoblastoid silent region 1421; plus strand). Cytogenetic location: 1q22.
Variant type: Microsatellite.
Coding change: c.96GGA[1] on transcript NM_170707.4 (MANE Select); one copy of the 3-base unit GGA starting at c.96; the reference has two copies in a row; one copy, 3 bases deleted.
Protein change: p.Glu33del; deletes glutamic acid 33.
Molecular consequence: inframe deletion. On other transcripts: intron variant (2), 5 prime UTR variant (8).
Genome position (GRCh38, 1-based): chr1:156,115,017-156,115,019, GGA deleted; deleting any 3 consecutive bases within chr1:156,115,013-156,115,019 gives the same sequence; the position shown is the placement nearest the transcript's 3' end. VCF-style (leftmost placement, unchanged base first): chr1-156115012-AAGG-A. GRCh37 (hg19) VCF-style: chr1-156084803-AAGG-A.
Other names: c.96GGA[1], p.Glu33del (NM_005572.4, NM_170708.4, NM_001282625.2 and 6 more transcripts); c.-203+8194_-203+8196del (NM_001406993.1, NM_001407003.1); c.-328GGA[1] (NM_001406986.1); c.-306GGA[1] (NM_001406990.1, NM_001406995.1, NM_001407002.1); c.-569GGA[1] (NM_001406994.1, NM_001407000.1); c.-749GGA[1] (NM_001406999.1); c.-412GGA[1] (NM_001407001.1); short protein forms E33del.
Identifiers: ClinVar variation 2733989 (VCV002733989.3), dbSNP rs2527830705, ClinGen allele CA2586967573.